The following is an entry in ClinVar:

ClinVar aggregate classification (germline): Uncertain significance (1 of 4 stars; one submission).

Submission:

Labcorp Genetics (formerly Invitae), Labcorp
Classification: Uncertain significance. Last evaluated: 2022-10-24. Review status: criteria provided, single submitter. Criteria: Invitae Variant Classification Sherloc (09022015). Collection method: clinical testing. Allele origin: germline.
Comment: This sequence change replaces tyrosine, which is neutral and polar, with aspartic acid, which is acidic and polar, at codon 625 of the ERCC6 protein (p.Tyr625Asp). This variant is not present in population databases (gnomAD no frequency). In summary, the available evidence is currently insufficient to determine the role of this variant in disease. Therefore, it has been classified as a Variant of Uncertain Significance. Advanced modeling of protein sequence and biophysical properties (such as structural, functional, and spatial information, amino acid conservation, physicochemical variation, residue mobility, and thermodynamic stability) performed at Invitae indicates that this missense variant is expected to disrupt ERCC6 protein function. This variant has not been reported in the literature in individuals affected with ERCC6-related conditions.

NM_000124.4(ERCC6):c.1873T>G (p.Tyr625Asp)

Gene: ERCC6 (ERCC excision repair 6, chromatin remodeling factor; minus strand). Cytogenetic location: 10q11.23.
Variant type: single nucleotide variant.
Coding change: c.1873T>G on transcript NM_000124.4 (MANE Select); coding-DNA position 1873, T replaced by G.
Protein change: p.Tyr625Asp; replaces tyrosine 625 with aspartic acid.
Molecular consequence: missense variant.
Genome position (GRCh38, 1-based): chr10:49,483,465, A>C on the plus strand (T>G on the coding strand, the complement: ERCC6 is on the minus strand). VCF-style: chr10-49483465-A-C. GRCh37 (hg19) VCF-style: chr10-50691511-A-C.
Other names: c.1873T>G, p.Tyr625Asp (NM_001346440.2); short protein forms Y625D.
Identifiers: ClinVar variation 1992870 (VCV001992870.4), dbSNP rs2496009160, ClinGen allele CA376725105.